The following is an entry in ClinVar:

ClinVar aggregate classification (germline): Likely benign. Review status: criteria provided, single submitter (1 of 4 stars). 2 submissions from 2 submitters: Likely benign (1). 1 of the submissions does not count toward it. Last evaluated 2024-07-31.

Conditions:
TOP2B-related disorder. Also called: TOP2B-related condition.

Allele frequency attached by ClinVar (database versions not stated): ExAC 0.00017; 1000 Genomes Project 30x 0.00031; ESP Exome Variant Server 0.00044; TOPMed 0.00073.
gnomAD v4.1: 1,232 of 1,526,402 alleles (0.081%); highest among the groups gnomAD compares: Non-Finnish European, 0.099%; 1 homozygote.

Submissions (2):

Blueprint Genetics
Classification: Likely benign. Last evaluated: 2024-07-31. Review status: criteria provided, single submitter. Criteria: ACMG Guidelines, 2015. Collection method: clinical testing. Allele origin: germline.

PreventionGenetics, part of Exact Sciences
Classification: Likely benign for TOP2B-related condition. Last evaluated: 2023-04-20. Review status: no assertion criteria provided. Collection method: clinical testing. Allele origin: germline. Not counted in ClinVar's aggregate classification.
Comment: This variant is classified as likely benign based on ACMG/AMP sequence variant interpretation guidelines (Richards et al. 2015 PMID: 25741868, with internal and published modifications).

NM_001330700.2(TOP2B):c.-9G>T

Genes: TOP2B (DNA topoisomerase II beta; minus strand), LOC129936375 (ATAC-STARR-seq lymphoblastoid silent region 14146; plus strand). Cytogenetic location: 3p24.2.
Variant type: single nucleotide variant.
Coding change: c.-9G>T on transcript NM_001330700.2 (MANE Select); 9 bases upstream of the start codon, G replaced by T.
Molecular consequence: 5 prime UTR variant.
Genome position (GRCh38, 1-based): chr3:25,664,306, C>A on the plus strand (G>T on the coding strand, the complement: TOP2B is on the minus strand). VCF-style: chr3-25664306-C-A. GRCh37 (hg19) VCF-style: chr3-25705797-C-A.
Other names: c.-9G>T (NM_001068.3).
Identifiers: ClinVar variation 3052784 (VCV003052784.3), dbSNP rs368409004, ClinGen allele CA2289005.
Genomic context (GRCh38, chr3:25,664,306, plus strand): 5'-CGTTGCCGCCGCCCACGCCGGCTCCCGCGCCGCAGCCACCCGACTTGGCCATGGCGAGTG[C>A]CTCCAGCTCACAGGCCCTGAGGCCGCAGCCGCCGCTCCCGCCTCCCTGCGGGCCGCTGGG-3'